The following is an entry in ClinVar:

ClinVar aggregate classification (germline): Likely benign. Review status: criteria provided, multiple submitters, no conflicts (2 of 4 stars). 4 submissions from 4 submitters: Likely benign (4). Last evaluated 2026-09-01.

Allele frequency attached by ClinVar (database versions not stated): 1000 Genomes Project 0.00140; 1000 Genomes Project 30x 0.00187; gnomAD 0.00323 and 0.00325; ESP Exome Variant Server 0.00356; ExAC 0.00358; TOPMed 0.00364; gnomAD exomes 0.00367 and 0.00411.
gnomAD v4.1: 6,201 of 1,523,096 alleles (0.41%); highest among the groups gnomAD compares: Middle Eastern, 1.3%; 21 homozygotes.

Submissions (4):

CeGaT Center for Human Genetics Tuebingen
Classification: Likely benign. Last evaluated: 2026-09-01. Review status: criteria provided, single submitter. Criteria: CeGaT Center For Human Genetics Tuebingen Variant Classification Criteria Version 2. Collection method: clinical testing. Allele origin: germline. Affected: yes. Observed: 27 variant alleles.
Comment: TAF6: BP4, BS2; AP4M1: BS2

Labcorp Genetics (formerly Invitae), Labcorp
Classification: Likely benign. Last evaluated: 2025-12-17. Review status: criteria provided, single submitter. Criteria: Invitae Variant Classification Sherloc (09022015). Collection method: clinical testing. Allele origin: germline.

Blueprint Genetics
Classification: Likely benign. Last evaluated: 2024-11-27. Review status: criteria provided, single submitter. Criteria: ACMG Guidelines, 2015. Collection method: clinical testing. Allele origin: germline.

Breakthrough Genomics
Classification: Likely benign. Review status: criteria provided, single submitter. Criteria: ACMG Guidelines, 2015. Collection method: not provided. Allele origin: germline. Inheritance: Autosomal recessive inheritance. Affected: yes.

NM_004722.4(AP4M1):c.*387C>T

Genes: AP4M1 (adaptor related protein complex 4 subunit mu 1; plus strand), TAF6 (TATA-box binding protein associated factor 6; minus strand). Cytogenetic location: 7q22.1.
Variant type: single nucleotide variant.
Coding change: c.*387C>T on transcript NM_004722.4 (MANE Select); 387 bases downstream of the stop codon, C replaced by T.
Molecular consequence: 3 prime UTR variant. On other transcripts: missense variant (10), non-coding transcript variant (1).
Genome position (GRCh38, 1-based): chr7:100,107,269, C>T. VCF-style: chr7-100107269-C-T. GRCh37 (hg19) VCF-style: chr7-99704892-C-T.
Other names: c.2011G>A, p.Gly671Ser (NM_005641.4, NM_139315.3, NM_001364998.1 and 1 more transcripts); c.*387C>T (NM_001363671.2); c.2122G>A, p.Gly708Ser (NM_001190415.2); c.1981G>A, p.Gly661Ser (NM_001365000.1, NM_001365001.1, NM_001365002.1 and 1 more transcripts); c.2149G>A, p.Gly717Ser (NM_001365004.1); short protein forms G717S, G661S, G671S, G708S.
Identifiers: ClinVar variation 781652 (VCV000781652.35), dbSNP rs146348021, ClinGen allele CA4375112.
Genomic context (GRCh38, chr7:100,107,269, plus strand): 5'-TGCATGTGTGGGAATCCGGGGGCTGGCAGGTGGAGCATCACGGAGCAGGCTGAGGGGAGC[C>T]GGAGTTGGGCTGGGAGCCATTGGCTTTTGGAGTCCCTGGAGCTGGAGGGGGACTGTCCCC-3'